The following is an entry in ClinVar:

NM_003632.3(CNTNAP1):c.4109G>A (p.Arg1370Gln)

Genes: CNTNAP1 (contactin associated protein 1; plus strand), LOC128669077 (EZH1 +46 kb erythroid enhancer; plus strand). Cytogenetic location: 17q21.2.
Variant type: single nucleotide variant.
Coding change: c.4109G>A on transcript NM_003632.3 (MANE Select); coding-DNA position 4109, G replaced by A.
Protein change: p.Arg1370Gln; replaces arginine 1370 with glutamine.
Molecular consequence: missense variant.
Genome position (GRCh38, 1-based): chr17:42,698,864, G>A. VCF-style: chr17-42698864-G-A. GRCh37 (hg19) VCF-style: chr17-40850882-G-A.
Other names: c.4109G>A (NM_003632.2); short protein forms R1370Q.
Identifiers: ClinVar variation 2184187 (VCV002184187.6), dbSNP rs567668572, ClinGen allele CA8582539.
Genomic context (GRCh38, chr17:42,698,864, plus strand): 5'-ACCAAGCTCCAGCCTCAGCCCCAGCCCCAGCCCCAACTCCAGCCCCAGCCCCTGGCCCCC[G>A]GGATCAGAACCTACCCCAGATCCTGGAGGAGTCCAGGTCTGAATGAGTCAGAAGGGCTTC-3'
Protein context (NP_003623.1, residues 1360-1380): APTPAPAPGP[Arg1370Gln]DQNLPQILEE

ClinVar aggregate classification (germline): Uncertain significance. Review status: criteria provided, multiple submitters, no conflicts (2 of 4 stars). 2 submissions from 2 submitters: Uncertain significance (2). Last evaluated 2025-12-15.

Conditions:
Inborn genetic diseases. Identifiers: MedGen C0950123, MeSH D030342.

Allele frequency attached by ClinVar (database versions not stated): TOPMed 0.00001; gnomAD 0.00006.
gnomAD v4.1: 82 of 1,338,548 alleles (0.0061%); highest among the groups gnomAD compares: Admixed American, 0.021%; no homozygotes.

Submissions (2):

Ambry Genetics
Classification: Uncertain significance for Inborn genetic diseases. Last evaluated: 2025-12-15. Review status: criteria provided, single submitter. Criteria: Ambry Variant Classification Scheme 2023. Collection method: clinical testing. Allele origin: germline.

Labcorp Genetics (formerly Invitae), Labcorp
Classification: Uncertain significance. Last evaluated: 2025-12-08. Review status: criteria provided, single submitter. Criteria: Invitae Variant Classification Sherloc (09022015). Collection method: clinical testing. Allele origin: germline.
Comment: This sequence change replaces arginine, which is basic and polar, with glutamine, which is neutral and polar, at codon 1370 of the CNTNAP1 protein (p.Arg1370Gln). This variant is present in population databases (rs567668572, gnomAD 0.02%). This variant has not been reported in the literature in individuals affected with CNTNAP1-related conditions. ClinVar contains an entry for this variant (Variation ID: 2184187). An algorithm developed to predict the effect of missense changes on protein structure and function outputs the following: PolyPhen-2: "Benign". The glutamine amino acid residue is found in multiple mammalian species, which suggests that this missense change does not adversely affect protein function. In summary, the available evidence is currently insufficient to determine the role of this variant in disease. Therefore, it has been classified as a Variant of Uncertain Significance.